The following is an entry in ClinVar:

ClinVar aggregate classification (germline): Pathogenic (1 of 4 stars; one submission).

Submission:

Quest Diagnostics Nichols Institute San Juan Capistrano
Classification: Pathogenic. Last evaluated: 2022-08-17. Review status: criteria provided, single submitter. Criteria: ACMG/ClinGen CNV Guidelines, 2019. Collection method: clinical testing. Allele origin: unknown.
Comment: The copy number loss of 2p23.1p22.3 involves multiple protein-coding genes. Haploinsufficiency of SPAST is associated with autosomal dominant spastic paraplegia 4 (OMIM 604277, Lan 2014).There are no similar copy number losses of this region in the general populations of the Database of Genomic Variants. Thus, the classification of this copy number variant (CNV) is pathogenic. Reference: Lan et al., BMC Neurol. 2014 Nov 25;14:216. PMID: 25421405_x000D__x000D_

GRCh37/hg19 2p23.1-22.3(chr2:32083215-32684402)x1

Genes: NLRC4 (NLR family CARD domain containing 4; minus strand), SLC30A6 (solute carrier family 30 member 6; plus strand), DPY30 (dpy-30 histone methyltransferase complex regulatory subunit; minus strand), MEMO1 (mediator of cell motility 1; minus strand), BIRC6 (baculoviral IAP repeat containing 6; plus strand) and 2 more. Cytogenetic location: 2p23.1-22.3.
Variant type: copy number loss.
Change: copy number 1 (one copy instead of two) of chr2:32,083,215-32,684,402 (601.2 kb, GRCh37 coordinates, 1-based), cytogenetic band 2p23.1-22.3.
Identifiers: ClinVar variation 2684431 (VCV002684431.1).